The following is an entry in ClinVar:

NM_000287.4(PEX6):c.673G>A (p.Val225Met)

Gene: PEX6 (peroxisomal biogenesis factor 6; minus strand). Cytogenetic location: 6p21.1.
Variant type: single nucleotide variant.
Coding change: c.673G>A on transcript NM_000287.4 (MANE Select); coding-DNA position 673, G replaced by A.
Protein change: p.Val225Met; replaces valine 225 with methionine.
Molecular consequence: missense variant. On other transcripts: non-coding transcript variant (1), intron variant (1).
Genome position (GRCh38, 1-based): chr6:42,978,478, C>T on the plus strand (G>A on the coding strand, the complement: PEX6 is on the minus strand). VCF-style: chr6-42978478-C-T. GRCh37 (hg19) VCF-style: chr6-42946216-C-T.
Other names: c.618+55G>A (NM_001316313.2); c.673G>A (NM_000287.3); short protein forms V225M.
Identifiers: ClinVar variation 1390082 (VCV001390082.6), dbSNP rs1770406575, ClinGen allele CA364162837.
Genomic context (GRCh38, chr6:42,978,478, plus strand): 5'-GGACCTGCACCCTAGCCAAGTGCGGCTGTGAAGTGTTCGATGACTCTCTGGCCTGGGCCA[C>T]CCACACCCATTCGCCCTGGAAGAGGCCAAGGCCACGGAGACAGCTCCGGCTCACCCCTAG-3'
Protein context (NP_000278.3, residues 215-235): LGLFQGEWVW[Val225Met]AQARESSNTS

ClinVar aggregate classification (germline): Uncertain significance. Review status: criteria provided, multiple submitters, no conflicts (2 of 4 stars). 2 submissions from 2 submitters: Uncertain significance (2). Last evaluated 2025-10-15.

Conditions:
PEX6-related disorder. Also called: PEX6-related condition; PEX6-related disorders.
Peroxisome biogenesis disorder. Identifiers: Orphanet 79189, MedGen C1832200, MONDO:0019234. Disease mechanism: loss of function.

Allele frequency attached by ClinVar (database versions not stated): gnomAD exomes below 0.00001.
gnomAD v4.1: 3 of 1,614,194 alleles (0.00019%); highest among the groups gnomAD compares: Non-Finnish European, 0.00025%; no homozygotes.

Submissions (2):

PreventionGenetics, part of Exact Sciences
Classification: Uncertain significance for PEX6-related condition. Last evaluated: 2025-10-15. Review status: criteria provided, single submitter. Criteria: ACMG Guidelines, 2015. Collection method: clinical testing. Allele origin: germline.
Comment: The PEX6 c.673G>A variant is predicted to result in the amino acid substitution p.Val225Met. To our knowledge, this variant has not been reported in the literature or in a large population database (gnomAD), indicating this variant is rare. At this time, the clinical significance of this variant is uncertain due to the absence of conclusive functional and genetic evidence.

Labcorp Genetics (formerly Invitae), Labcorp
Classification: Uncertain significance for Peroxisome biogenesis disorder. Last evaluated: 2023-12-11. Review status: criteria provided, single submitter. Criteria: Invitae Variant Classification Sherloc (09022015). Collection method: clinical testing. Allele origin: germline.
Comment: This sequence change replaces valine, which is neutral and non-polar, with methionine, which is neutral and non-polar, at codon 225 of the PEX6 protein (p.Val225Met). This variant is not present in population databases (gnomAD no frequency). This variant has not been reported in the literature in individuals affected with PEX6-related conditions. ClinVar contains an entry for this variant (Variation ID: 1390082). Advanced modeling of protein sequence and biophysical properties (such as structural, functional, and spatial information, amino acid conservation, physicochemical variation, residue mobility, and thermodynamic stability) performed at Invitae indicates that this missense variant is not expected to disrupt PEX6 protein function with a negative predictive value of 80%. In summary, the available evidence is currently insufficient to determine the role of this variant in disease. Therefore, it has been classified as a Variant of Uncertain Significance.